The following is an entry in ClinVar:

ClinVar aggregate classification (germline): Uncertain significance (1 of 4 stars; one submission).

Conditions:
Epileptic encephalopathy. Identifiers: MedGen C0543888, HP:0200134.

Allele frequency attached by ClinVar (database versions not stated): ExAC 0.00001; gnomAD exomes below 0.00001.
gnomAD v4.1: 4 of 1,608,516 alleles (0.00025%); highest among the groups gnomAD compares: Non-Finnish European, 0.00034%; no homozygotes.

Submission:

Labcorp Genetics (formerly Invitae), Labcorp
Classification: Uncertain significance for Epileptic encephalopathy. Last evaluated: 2025-05-05. Review status: criteria provided, single submitter. Criteria: Invitae Variant Classification Sherloc (09022015). Collection method: clinical testing. Allele origin: germline.
Comment: This sequence change replaces proline, which is neutral and non-polar, with serine, which is neutral and polar, at codon 1210 of the FASN protein (p.Pro1210Ser). The frequency data for this variant in the population databases is considered unreliable, as metrics indicate poor data quality at this position in the gnomAD database. This variant has not been reported in the literature in individuals affected with FASN-related conditions. ClinVar contains an entry for this variant (Variation ID: 1477996). An algorithm developed to predict the effect of missense changes on protein structure and function outputs the following: PolyPhen-2: "Benign". The serine amino acid residue is found in multiple mammalian species, which suggests that this missense change does not adversely affect protein function. In summary, the available evidence is currently insufficient to determine the role of this variant in disease. Therefore, it has been classified as a Variant of Uncertain Significance.

NM_004104.5(FASN):c.3628C>T (p.Pro1210Ser)

Gene: FASN (fatty acid synthase; minus strand). Cytogenetic location: 17q25.3.
Variant type: single nucleotide variant.
Coding change: c.3628C>T on transcript NM_004104.5 (MANE Select); coding-DNA position 3628, C replaced by T.
Protein change: p.Pro1210Ser; replaces proline 1210 with serine.
Molecular consequence: missense variant.
Genome position (GRCh38, 1-based): chr17:82,086,358, G>A on the plus strand (C>T on the coding strand, the complement: FASN is on the minus strand). VCF-style: chr17-82086358-G-A. GRCh37 (hg19) VCF-style: chr17-80044234-G-A.
Other names: short protein forms P1210S.
Identifiers: ClinVar variation 1477996 (VCV001477996.6), dbSNP rs765711560, ClinGen allele CA8852323.